The following is an entry in ClinVar:

NM_000465.4(BARD1):c.1817_1818del (p.His606fs)

Gene: BARD1 (BRCA1 associated RING domain 1; minus strand). Cytogenetic location: 2q35.
Variant type: Deletion.
Coding change: c.1817_1818del on transcript NM_000465.4 (MANE Select); coding-DNA positions 1817 to 1818, 2 bases deleted (AT; older notation c.1817_1818delAT).
Protein change: p.His606fs; shifts the reading frame from histidine 606.
Molecular consequence: frameshift variant. On other transcripts: non-coding transcript variant (3), intron variant (1).
Genome position (GRCh38, 1-based): chr2:214,745,152-214,745,153, AT deleted on the plus strand (AT on the coding strand, the reverse complement: BARD1 is on the minus strand). VCF-style (leftmost placement, unchanged base first): chr2-214745151-CAT-C. GRCh37 (hg19) VCF-style: chr2-215609875-CAT-C.
Other names: c.1817_1818del (NM_000465.3, NM_000465.2); c.1760_1761del, p.His587fs (NM_001282543.2); c.464_465del, p.His155fs (NM_001282545.2); c.407_408del, p.His136fs (NM_001282548.2); c.365-14645_365-14644del (NM_001282549.2); short protein forms H136fs, H155fs, H606fs, H587fs.
Identifiers: ClinVar variation 143017 (VCV000143017.28), dbSNP rs587782897, ClinGen allele CA170035.
Genomic context (GRCh38, chr2:214,745,151, plus strand): 5'-CATTGAGAATCCCAAGCATACACTTCAAGGTACTTTGAACTGCATCACCAGGAACAACAA[CAT>C]GAGTTACTAAAATACAAAAAAAGCAGTAAGAGAAAGAAAGATACAAGCCAAAGTATTTCT-3'

ClinVar aggregate classification (germline): Pathogenic. Review status: criteria provided, multiple submitters, no conflicts (2 of 4 stars). 8 submissions from 8 submitters: Pathogenic (7). 1 of the submissions does not count toward it. Last evaluated 2025-08-20.

Conditions:
BARD1-related disorder. Also called: BARD1-related condition.
Hereditary cancer-predisposing syndrome. Also called: Hereditary Cancer Syndrome; Neoplastic Syndromes, Hereditary; Hereditary neoplastic syndrome; Tumor predisposition. Identifiers: Orphanet 140162, MedGen C0027672, MeSH D009386, MONDO:0015356.
Familial cancer of breast. Also called: BREAST CANCER, FAMILIAL; Hereditary breast cancer; hereditary breast carcinoma. Identifiers: Orphanet 227535, MedGen C0346153, MONDO:0016419, OMIM 114480. Disease mechanism: loss of function.

Allele frequency attached by ClinVar (database versions not stated): gnomAD 0.00001.

Submissions (8):

Labcorp Genetics (formerly Invitae), Labcorp
Classification: Pathogenic for Familial cancer of breast. Last evaluated: 2025-08-20. Review status: criteria provided, single submitter. Criteria: Invitae Variant Classification Sherloc (09022015). Collection method: clinical testing. Allele origin: germline.
Comment: This sequence change creates a premature translational stop signal (p.His606Argfs*6) in the BARD1 gene. It is expected to result in an absent or disrupted protein product. Loss-of-function variants in BARD1 are known to be pathogenic (PMID: 20077502, 21344236). This variant is not present in population databases (gnomAD no frequency). This variant has not been reported in the literature in individuals affected with BARD1-related conditions. ClinVar contains an entry for this variant (Variation ID: 143017). For these reasons, this variant has been classified as Pathogenic.

Quest Diagnostics Nichols Institute San Juan Capistrano
Classification: Pathogenic. Last evaluated: 2025-02-17. Review status: criteria provided, single submitter. Criteria: Quest Diagnostics criteria. Collection method: clinical testing. Allele origin: unknown.
Comment: The BARD1 c.1817_1818del (p.His606Argfs*6) variant alters the translational reading frame of the BARD1 mRNA and causes the premature termination of BARD1 protein synthesis. This variant has been reported in the published literature in individuals who are at high risk for hereditary breast and ovarian cancer (PMID: 27153395 (2016)) or have a personal history of breast cancer (PMID: 33471991 (2021), see also LOVD). The frequency of this variant in the general population (Genome Aggregation Database) is consistent with pathogenicity. Based on the available information, this variant is classified as pathogenic.

Color Diagnostics, LLC DBA Color Health
Classification: Pathogenic for Hereditary cancer-predisposing syndrome. Last evaluated: 2024-04-15. Review status: criteria provided, single submitter. Criteria: ACMG Guidelines, 2015. Collection method: clinical testing. Allele origin: germline.
Comment: This variant deletes 2 nucleotides in exon 9 of the BARD1 gene, creating a frameshift and premature translation stop signal. This variant is expected to result in an absent or non-functional protein product. This variant has not been identified in the general population by the Genome Aggregation Database (gnomAD). Loss of BARD1 function is a known mechanism of disease. Based on the available evidence, this variant is classified as Pathogenic.

Ambry Genetics
Classification: Pathogenic for Hereditary cancer-predisposing syndrome. Last evaluated: 2024-03-22. Review status: criteria provided, single submitter. Criteria: Ambry Variant Classification Scheme 2023. Collection method: clinical testing. Allele origin: germline.
Comment: The c.1817_1818delAT pathogenic mutation, located in coding exon 9 of the BARD1 gene, results from a deletion of two nucleotides at nucleotide positions 1817 to 1818, causing a translational frameshift with a predicted alternate stop codon (p.H606Rfs*6). This alteration is expected to result in loss of function by premature protein truncation or nonsense-mediated mRNA decay. As such, this alteration is interpreted as a disease-causing mutation.

Baylor Genetics
Classification: Pathogenic for Familial cancer of breast. Last evaluated: 2023-11-02. Review status: criteria provided, single submitter. Criteria: ACMG Guidelines, 2015. Collection method: clinical testing. Allele origin: unknown.

Myriad Genetics, Inc.
Classification: Pathogenic for Familial cancer of breast. Last evaluated: 2023-05-24. Review status: criteria provided, single submitter. Criteria: Myriad Autosomal Dominant, Autosomal Recessive and X-Linked Classification Criteria (2023). Collection method: clinical testing. Allele origin: unknown.
Comment: This variant is considered pathogenic. This variant creates a frameshift predicted to result in premature protein truncation.

GeneDx
Classification: Pathogenic. Last evaluated: 2022-07-13. Review status: criteria provided, single submitter. Criteria: GeneDx Variant Classification Process June 2021. Collection method: clinical testing. Allele origin: germline. Affected: yes.
Comment: Frameshift variant predicted to result in protein truncation or nonsense mediated decay in a gene for which loss of function is a known mechanism of disease; Not observed at significant frequency in large population cohorts (gnomAD); Truncating variants in this gene are considered pathogenic by a well-established clinical consortium and/or database; Observed in an individual undergoing clinical exome testing for unspecified history and classified as pathogenic (LaDuca et al., 2017); This variant is associated with the following publications: (PMID: 28152038)

PreventionGenetics, part of Exact Sciences
Classification: Likely pathogenic for BARD1-related condition. Last evaluated: 2024-05-12. Review status: no assertion criteria provided. Collection method: clinical testing. Allele origin: germline. Not counted in ClinVar's aggregate classification.
Comment: The BARD1 c.1817_1818delAT variant is predicted to result in a frameshift and premature protein termination (p.His606Argfs*6). To our knowledge, this variant has not been reported in a patient with a BARD1 related disorder. This variant has not been reported in a large population database, indicating this variant is rare. This variant is interpreted as pathogenic in ClinVar. Frameshift variants in BARD1 are expected to be pathogenic. This variant is interpreted as likely pathogenic.

Literature cited by the submitters: PubMed 20077502 (cited by Labcorp Genetics (formerly Invitae), Labcorp); PubMed 21344236 (cited by Labcorp Genetics (formerly Invitae), Labcorp); PubMed 28152038 (cited by Quest Diagnostics Nichols Institute San Juan Capistrano); PubMed 27153395 (cited by Quest Diagnostics Nichols Institute San Juan Capistrano); PubMed 33471991 (cited by Quest Diagnostics Nichols Institute San Juan Capistrano).